The following is an entry in ClinVar:

NM_000529.2(MC2R):c.754G>A (p.Ala252Thr)

Gene: MC2R (melanocortin 2 receptor; minus strand). Cytogenetic location: 18p11.21.
Variant type: single nucleotide variant.
Coding change: c.754G>A on transcript NM_000529.2 (MANE Select); coding-DNA position 754, G replaced by A.
Protein change: p.Ala252Thr; replaces alanine 252 with threonine.
Molecular consequence: missense variant.
Genome position (GRCh38, 1-based): chr18:13,884,765, C>T on the plus strand (G>A on the coding strand, the complement: MC2R is on the minus strand). VCF-style: chr18-13884765-C-T. GRCh37 (hg19) VCF-style: chr18-13884764-C-T.
Other names: c.754G>A, p.Ala252Thr (NM_001291911.1); short protein forms A252T.
Identifiers: ClinVar variation 773878 (VCV000773878.8), dbSNP rs554966392, ClinGen allele CA8902411.

ClinVar aggregate classification (germline): Likely benign. Review status: criteria provided, multiple submitters, no conflicts (2 of 4 stars). 3 submissions from 3 submitters: Likely benign (3). Last evaluated 2021-07-23.

Conditions:
Glucocorticoid deficiency 1 (GCCD1). Also called: Glucocorticoid deficiency, due to ACTH unresponsiveness; Adrenal unresponsiveness to acth; FAMILIAL GLUCOCORTICOID DEFICIENCY 1. Identifiers: Orphanet 361, MedGen C4049650, MONDO:0024536, OMIM 202200.

Allele frequency attached by ClinVar (database versions not stated): gnomAD exomes 0.00040 and 0.00013; ExAC 0.00044; TOPMed 0.00033; gnomAD 0.00038; 1000 Genomes Project 30x 0.00094; 1000 Genomes Project 0.00120.
gnomAD v4.1: 251 of 1,613,968 alleles (0.016%); highest among the groups gnomAD compares: East Asian, 0.33%; 2 homozygotes.

Submissions (3):

Fulgent Genetics
Classification: Likely benign for Glucocorticoid deficiency 1. Last evaluated: 2021-07-23. Review status: criteria provided, single submitter. Criteria: ACMG Guidelines, 2015. Collection method: clinical testing. Allele origin: unknown.

Illumina Laboratory Services, Illumina
Classification: Likely benign for Glucocorticoid deficiency 1. Last evaluated: 2018-01-13. Review status: criteria provided, single submitter. Criteria: ICSL Variant Classification Criteria 13 December 2019. Collection method: clinical testing. Allele origin: germline.
Comment: This variant was observed in the ICSL laboratory as part of a predisposition screen in an ostensibly healthy population. It had not been previously curated by ICSL or reported in the Human Gene Mutation Database (HGMD: prior to June 1st, 2018), and was therefore a candidate for classification through an automated scoring system. Utilizing variant allele frequency, disease prevalence and penetrance estimates, and inheritance mode, an automated score was calculated to assess if this variant is too frequent to cause the disease. Based on the score and internal cut-off values, a variant classified as likely benign is not then subjected to further curation. The score for this variant resulted in a classification of likely benign for this disease.

Labcorp Genetics (formerly Invitae), Labcorp
Classification: Likely benign. Last evaluated: 2018-01-12. Review status: criteria provided, single submitter. Criteria: Invitae Variant Classification Sherloc (09022015). Collection method: clinical testing. Allele origin: germline.